The following is an entry in ClinVar:

ClinVar aggregate classification (germline): Uncertain significance (1 of 4 stars; one submission).

Submission:

GeneDx
Classification: Uncertain significance. Last evaluated: 2022-03-08. Review status: criteria provided, single submitter. Criteria: GeneDx Variant Classification Process June 2021. Collection method: clinical testing. Allele origin: germline. Affected: yes.
Comment: Not observed at significant frequency in large population cohorts (gnomAD); Canonical splice site variant with an unclear effect on protein function; De novo variant with confirmed parentage; however, the reported clinical features are only partially consistent with the features typically observed in individuals with pathogenic variants in this gene; Has not been previously published as pathogenic or benign to our knowledge

NM_001130438.3(SPTAN1):c.2779-2A>G

Gene: SPTAN1 (spectrin alpha, non-erythrocytic 1; plus strand). Cytogenetic location: 9q34.11.
Variant type: single nucleotide variant.
Coding change: c.2779-2A>G on transcript NM_001130438.3 (MANE Select); the canonical splice acceptor site of the intron before coding-DNA position 2779, A replaced by G.
Molecular consequence: splice acceptor variant.
Genome position (GRCh38, 1-based): chr9:128,587,604, A>G. VCF-style: chr9-128587604-A-G. GRCh37 (hg19) VCF-style: chr9-131349883-A-G.
Other names: c.2815-2A>G (NM_001375318.1, NM_001375312.2); c.2779-2A>G (NM_001375311.2, NM_001375314.2, NM_001375310.1 and 5 more transcripts).
Identifiers: ClinVar variation 1704821 (VCV001704821.2), dbSNP rs2541287105, ClinGen allele CA375058801.